The following is an entry in ClinVar:

ClinVar aggregate classification (germline): Uncertain significance. Review status: reviewed by expert panel (3 of 4 stars). 13 submissions from 13 submitters: Uncertain significance (1). 12 of the submissions do not count toward it. Last evaluated 2021-05-07.

Conditions:
Mitochondrial DNA depletion syndrome 1. Also called: Mitochondrial neurogastrointestinal encephalomyopathy syndrome; POLIP SYNDROME; POLYNEUROPATHY, OPHTHALMOPLEGIA, LEUKOENCEPHALOPATHY, AND INTESTINAL PSEUDOOBSTRUCTION; Mitochondrial DNA Depletion Syndrome, MNGIE Form; Mitochondrial Neurogastrointestinal Encephalopathy Disease; MITOCHONDRIAL NEUROGASTROINTESTINAL ENCEPHALOPATHY SYNDROME, TYMP-RELATED. Identifiers: Orphanet 298, MedGen C4551995, MONDO:0011283, OMIM 603041.
Sensory ataxic neuropathy, dysarthria, and ophthalmoparesis (SANDO). Also called: Epilepsy, progressive myoclonic, type 5; SENSORY ATAXIC NEUROPATHY WITH MITOCHONDRIAL DNA DELETIONS, AUTOSOMAL RECESSIVE; Sensory ataxic neuropathy-dysarthria-ophthalmoparesis syndrome; Ataxia Neuropathy Spectrum (ANS). Identifiers: Orphanet 70595, MedGen C1843851, MONDO:0011835, OMIM 607459.
Progressive external ophthalmoplegia with mitochondrial DNA deletions, autosomal dominant 1 (PEOA1). Also called: Autosomal Dominant Progressive External Ophthalmoplegia (adPEO); PROGRESSIVE EXTERNAL OPHTHALMOPLEGIA, AUTOSOMAL DOMINANT 1. Identifiers: MedGen C1834846, MONDO:0024528, OMIM 157640.
Progressive sclerosing poliodystrophy (MTDPS4A). Also called: Alpers-Huttenlocher Syndrome; Mitochondrial DNA Depletion Syndrome 4A; NEURONAL DEGENERATION OF CHILDHOOD WITH LIVER DISEASE, PROGRESSIVE; Alpers-Huttenlocher Syndrome (AHS); ALPERS PROGRESSIVE INFANTILE POLIODYSTROPHY; ALPERS DIFFUSE DEGENERATION OF CEREBRAL GRAY MATTER WITH HEPATIC CIRRHOSIS. Identifiers: Orphanet 726, MedGen C0205710, MONDO:0008758, OMIM 203700.
Mitochondrial DNA depletion syndrome 4b. Also called: Mitochondrial Neurogastrointestinal Encephalopathy Disease, POLG-Related; MNGIE, POLG-RELATED. Identifiers: Orphanet 298, MedGen C3150914, MONDO:0013350, OMIM 613662.
Progressive external ophthalmoplegia with mitochondrial DNA deletions, autosomal recessive 1 (PEOB1). Also called: Autosomal Recessive Progressive External Ophthalmoplegia (arPEO); Progressive external ophthalmoplegia, autosomal recessive 1. Identifiers: Orphanet 254886, MedGen C4225153, MONDO:0009783, OMIM 258450.
Inborn genetic diseases. Identifiers: MedGen C0950123, MeSH D030342.
POLG-related disorder. Also called: POLG-related condition; POLG-Related Disorders; POLG-Related Spectrum Disorders. Identifiers: MedGen C4763519.
Mitochondrial disease. Also called: Mitochondrial disorders; Mitochondrial disorder. Identifiers: Orphanet 68380, MedGen C0751651, MeSH D028361, MONDO:0044970.

Allele frequency attached by ClinVar (database versions not stated): 1000 Genomes Project 30x 0.00078; gnomAD exomes 0.00005 and 0.00015; ExAC 0.00023; ESP Exome Variant Server 0.00054; 1000 Genomes Project 0.00060; gnomAD 0.00066 and 0.00071; TOPMed 0.00070.
gnomAD v4.1: 172 of 1,565,226 alleles (0.011%); highest among the groups gnomAD compares: African/African-American, 0.21%; no homozygotes.

Submissions (13):

ClinGen Mitochondrial Disease Nuclear and Mitochondrial  Variant Curation Expert Panel, ClinGen
Classification: Uncertain significance for Mitochondrial disease. Last evaluated: 2021-05-07. Review status: reviewed by expert panel. Criteria: clingen mito disease acmg specifications v1-1. Collection method: curation. Allele origin: germline. Inheritance: Autosomal recessive inheritance.
Comment: The c.578G>A (p.Arg193Gln) variant in POLG has been reported with an allele frequency in the population at 0.2 % in African Americans in gnomAD. It is also seen in the homozygous state in 1 individual in gnomAD (BS2). This variant is not reported in the literature and no computational data is available. In summary, this variant meets criteria to be classified as uncertain significance for primary mitochondrial disease inherited in a recessive manner. ntDNA Mitochondrial ACMG-AMP Criteria for POLG applied: BS2.

Labcorp Genetics (formerly Invitae), Labcorp
Classification: Likely benign for Progressive sclerosing poliodystrophy. Last evaluated: 2026-01-24. Review status: criteria provided, single submitter. Criteria: Invitae Variant Classification Sherloc (09022015). Collection method: clinical testing. Allele origin: germline. Not counted in ClinVar's aggregate classification.

Blueprint Genetics
Classification: Uncertain significance. Last evaluated: 2024-05-27. Review status: criteria provided, single submitter. Criteria: ACMG Guidelines, 2015. Collection method: clinical testing. Allele origin: germline. Not counted in ClinVar's aggregate classification.

CeGaT Center for Human Genetics Tuebingen
Classification: Uncertain significance. Last evaluated: 2024-05-01. Review status: criteria provided, single submitter. Criteria: CeGaT Center For Human Genetics Tuebingen Variant Classification Criteria Version 2. Collection method: clinical testing. Allele origin: germline. Affected: yes. Observed: 1 variant allele. Not counted in ClinVar's aggregate classification.

Athena Diagnostics
Classification: Uncertain significance. Last evaluated: 2023-10-21. Review status: criteria provided, single submitter. Criteria: Athena Diagnostics Criteria. Collection method: clinical testing. Allele origin: unknown. Not counted in ClinVar's aggregate classification.
Comment: Available data are insufficient to determine the clinical significance of the variant at this time. The frequency of this variant in the general population is uninformative in assessment of its pathogenicity. Assessment of experimental analysis yielded inconclusive results regarding the impact of this variant on protein function. The effect of variant in mtDNA mutability was shown to be neutral in a yeast model (PMID 25462018). However, this has not been studied in a mammalian model system.

Fulgent Genetics
Classification: Uncertain significance for Progressive external ophthalmoplegia with mitochondrial DNA deletions, autosomal dominant 1; Progressive sclerosing poliodystrophy; Progressive external ophthalmoplegia with mitochondrial DNA deletions, autosomal recessive 1; Mitochondrial DNA depletion syndrome 1; Sensory ataxic neuropathy, dysarthria, and ophthalmoparesis; Mitochondrial DNA depletion syndrome 4b. Last evaluated: 2021-11-09. Review status: criteria provided, single submitter. Criteria: ACMG Guidelines, 2015. Collection method: clinical testing. Allele origin: unknown. Not counted in ClinVar's aggregate classification.

Mayo Clinic Laboratories, Mayo Clinic
Classification: Uncertain significance. Last evaluated: 2021-05-21. Review status: criteria provided, single submitter. Criteria: ACMG Guidelines, 2015. Collection method: clinical testing. Allele origin: germline. Not counted in ClinVar's aggregate classification.

GeneDx
Classification: Likely benign. Last evaluated: 2021-05-18. Review status: criteria provided, single submitter. Criteria: GeneDx Variant Classification Process June 2021. Collection method: clinical testing. Allele origin: germline. Affected: yes. Not counted in ClinVar's aggregate classification.
Comment: This variant is associated with the following publications: (PMID: 25462018)

Ambry Genetics
Classification: Uncertain significance for Inborn genetic diseases. Last evaluated: 2019-01-30. Review status: criteria provided, single submitter. Criteria: Ambry Variant Classification Scheme 2023. Collection method: clinical testing. Allele origin: germline. Not counted in ClinVar's aggregate classification.
Comment: The p.R193Q variant (also known as c.578G>A), located in coding exon 1 of the POLG gene, results from a G to A substitution at nucleotide position 578. The arginine at codon 193 is replaced by glutamine, an amino acid with highly similar properties. This amino acid position is not well conserved in available vertebrate species, and glutamine is the reference amino acid in other vertebrate species. In addition, this alteration is predicted to be tolerated by in silico analysis. Since supporting evidence is limited at this time, the clinical significance of this alteration remains unclear.

Wong Mito Lab, Molecular and Human Genetics, Baylor College of Medicine
Classification: Likely benign for Progressive sclerosing poliodystrophy. Last evaluated: 2018-10-01. Review status: criteria provided, single submitter. Criteria: ACMG Guidelines, 2015. Collection method: clinical testing. Allele origin: germline. Not counted in ClinVar's aggregate classification.
Comment: The NM_002693.2:c.578G>A (NP_002684.1:p.Arg193Gln) [GRCH38: NC_000015.10:g.89333177C>T] variant in POLG gene is interpretated to be a Likely Benign based on ACMG guidelines (PMID: 25741868). This variant meets the following evidence codes reported in the ACMG-guideline. BS1:The minor allele frequency of this allele is high for Mitochondrial DNA depletion syndrome 4A (Alpers type). BP4:Computational evidence/predictors indicate no impact on the POLG structure, function, or protein-protein interaction. Based on the evidence criteria codes applied, the variant is suggested to be Likely Benign.

Eurofins Ntd Llc (ga)
Classification: Uncertain significance. Last evaluated: 2017-11-06. Review status: criteria provided, single submitter. Criteria: EGL Classification Definitions 2015. Collection method: clinical testing. Allele origin: germline. Observed: 5 variant alleles, 5 heterozygotes. Not counted in ClinVar's aggregate classification.

Illumina Laboratory Services, Illumina
Classification: Uncertain significance for POLG-Related Spectrum Disorders. Last evaluated: 2017-04-27. Review status: criteria provided, single submitter. Criteria: ICSL Variant Classification Criteria 13 December 2019. Collection method: clinical testing. Allele origin: germline. Not counted in ClinVar's aggregate classification.

PreventionGenetics, part of Exact Sciences
Classification: Likely benign for POLG-related condition. Last evaluated: 2023-08-11. Review status: no assertion criteria provided. Collection method: clinical testing. Allele origin: germline. Not counted in ClinVar's aggregate classification.
Comment: This variant is classified as likely benign based on ACMG/AMP sequence variant interpretation guidelines (Richards et al. 2015 PMID: 25741868, with internal and published modifications).

Literature cited by the submitters: PubMed 25462018 (cited by Athena Diagnostics).

NM_002693.3(POLG):c.578G>A (p.Arg193Gln)

Genes: POLG (DNA polymerase gamma, catalytic subunit; minus strand), POLGARF (POLG alternative reading frame; minus strand). Cytogenetic location: 15q26.1.
Variant type: single nucleotide variant.
Coding change: c.578G>A on transcript NM_002693.3 (MANE Select); coding-DNA position 578, G replaced by A.
Protein change: p.Arg193Gln; replaces arginine 193 with glutamine.
Molecular consequence: missense variant.
Genome position (GRCh38, 1-based): chr15:89,333,177, C>T on the plus strand (G>A on the coding strand, the complement: POLG is on the minus strand). VCF-style: chr15-89333177-C-T. GRCh37 (hg19) VCF-style: chr15-89876408-C-T.
Other names: p.R193Q:CGG>CAG; NM_002693.2(POLG):c.578G>A; c.578G>A, p.Arg193Gln (NM_001126131.2); short protein forms R193Q.
Identifiers: ClinVar variation 21318 (VCV000021318.54), dbSNP rs3176162, ClinGen allele CA241475.